The following is an entry in ClinVar:

NM_021098.3(CACNA1H):c.546-2delinsCG

Gene: CACNA1H (calcium voltage-gated channel subunit alpha1 H; plus strand). Cytogenetic location: 16p13.3.
Variant type: Indel.
Coding change: c.546-2delinsCG on transcript NM_021098.3 (MANE Select); the canonical splice acceptor site of the intron before coding-DNA position 546, A replaced by CG.
Molecular consequence: splice acceptor variant.
Genome position (GRCh38, 1-based): chr16:1,195,924, A replaced by CG. VCF-style: chr16-1195924-A-CG. GRCh37 (hg19) VCF-style: chr16-1245924-A-CG.
Other names: c.546-2delinsCG (NM_001005407.2, NM_021098.2).
Identifiers: ClinVar variation 2500596 (VCV002500596.2), dbSNP rs2548608856, ClinGen allele CA2580090398.

ClinVar aggregate classification (germline): Uncertain significance. Review status: criteria provided, multiple submitters, no conflicts (2 of 4 stars). 2 submissions from 2 submitters: Uncertain significance (2). Last evaluated 2023-08-01.

Conditions:
CACNA1H-related disorder.

Submissions (2):

PreventionGenetics, part of Exact Sciences
Classification: Uncertain significance for CACNA1H-related condition. Last evaluated: 2023-08-01. Review status: criteria provided, single submitter. Criteria: ACMG Guidelines, 2015. Collection method: clinical testing. Allele origin: germline.
Comment: The CACNA1H c.546-2delinsCG variant is predicted to result in an in-frame deletion and insertion. To our knowledge, this variant has not been reported in the literature or in a large population database, indicating this variant is rare. At this time, the clinical significance of this variant is uncertain due to the absence of conclusive functional and genetic evidence.

GeneDx
Classification: Uncertain significance. Last evaluated: 2022-12-19. Review status: criteria provided, single submitter. Criteria: GeneDx Variant Classification Process June 2021. Collection method: clinical testing. Allele origin: germline. Affected: yes.
Comment: Canonical splice site variant in a gene or region of a gene for which loss of function is not a well-established mechanism of disease; Not observed at significant frequency in large population cohorts (gnomAD); Has not been previously published as pathogenic or benign to our knowledge